The following is an entry in ClinVar:

ClinVar aggregate classification (germline): Uncertain significance (1 of 4 stars; one submission).

Submission:

Labcorp Genetics (formerly Invitae), Labcorp
Classification: Uncertain significance. Last evaluated: 2023-10-04. Review status: criteria provided, single submitter. Criteria: Invitae Variant Classification Sherloc (09022015). Collection method: clinical testing. Allele origin: germline.
Comment: This sequence change replaces isoleucine, which is neutral and non-polar, with threonine, which is neutral and polar, at codon 97 of the TCIRG1 protein (p.Ile97Thr). This variant is not present in population databases (gnomAD no frequency). This variant has not been reported in the literature in individuals affected with TCIRG1-related conditions. ClinVar contains an entry for this variant (Variation ID: 2133936). Advanced modeling of protein sequence and biophysical properties (such as structural, functional, and spatial information, amino acid conservation, physicochemical variation, residue mobility, and thermodynamic stability) performed at Invitae indicates that this missense variant is not expected to disrupt TCIRG1 protein function. In summary, the available evidence is currently insufficient to determine the role of this variant in disease. Therefore, it has been classified as a Variant of Uncertain Significance.

NM_006019.4(TCIRG1):c.290T>C (p.Ile97Thr)

Gene: TCIRG1 (T cell immune regulator 1, ATPase H+ transporting V0 subunit a3; plus strand). Cytogenetic location: 11q13.2.
Variant type: single nucleotide variant.
Coding change: c.290T>C on transcript NM_006019.4 (MANE Select); coding-DNA position 290, T replaced by C.
Protein change: p.Ile97Thr; replaces isoleucine 97 with threonine.
Molecular consequence: missense variant. On other transcripts: 5 prime UTR variant (1).
Genome position (GRCh38, 1-based): chr11:68,042,736, T>C. VCF-style: chr11-68042736-T-C. GRCh37 (hg19) VCF-style: chr11-67810203-T-C.
Other names: c.-960T>C (NM_001351059.2); short protein forms I97T.
Identifiers: ClinVar variation 2133936 (VCV002133936.4), dbSNP rs1243713569, ClinGen allele CA381575752.